The following is an entry in ClinVar:

ClinVar aggregate classification (germline): Uncertain significance (1 of 4 stars; one submission).

Conditions:
Granulomatous disease, chronic, autosomal recessive, cytochrome b-negative. Also called: GRANULOMATOUS DISEASE, CHRONIC, AUTOSOMAL RECESSIVE, 4; CGD DUE TO DEFICIENCY OF THE ALPHA SUBUNIT OF CYTOCHROME b; CGD, AUTOSOMAL RECESSIVE CYTOCHROME b-NEGATIVE; CYBA DEFICIENCY; Chronic granulomatous disease, autosomal, due to deficiency of CYBA. Identifiers: Orphanet 379, MedGen C1856255, MONDO:0009308, OMIM 233690.

Submission:

Labcorp Genetics (formerly Invitae), Labcorp
Classification: Uncertain significance for Granulomatous disease, chronic, autosomal recessive, cytochrome b-negative. Last evaluated: 2022-03-04. Review status: criteria provided, single submitter. Criteria: Invitae Variant Classification Sherloc (09022015). Collection method: clinical testing. Allele origin: germline.
Comment: In summary, the available evidence is currently insufficient to determine the role of this variant in disease. Therefore, it has been classified as a Variant of Uncertain Significance. Algorithms developed to predict the effect of missense changes on protein structure and function are either unavailable or do not agree on the potential impact of this missense change (SIFT: "Deleterious"; PolyPhen-2: "Possibly Damaging"; Align-GVGD: "Class C0"). This variant has not been reported in the literature in individuals affected with CYBA-related conditions. This variant is not present in population databases (gnomAD no frequency). This sequence change replaces leucine, which is neutral and non-polar, with proline, which is neutral and non-polar, at codon 122 of the CYBA protein (p.Leu122Pro).

NM_000101.4(CYBA):c.365T>C (p.Leu122Pro)

Gene: CYBA (cytochrome b-245 alpha chain; minus strand). Cytogenetic location: 16q24.2.
Variant type: single nucleotide variant.
Coding change: c.365T>C on transcript NM_000101.4 (MANE Select); coding-DNA position 365, T replaced by C.
Protein change: p.Leu122Pro; replaces leucine 122 with proline.
Molecular consequence: missense variant.
Genome position (GRCh38, 1-based): chr16:88,646,120, A>G on the plus strand (T>C on the coding strand, the complement: CYBA is on the minus strand). VCF-style: chr16-88646120-A-G. GRCh37 (hg19) VCF-style: chr16-88712528-A-G.
Other names: short protein forms L122P.
Identifiers: ClinVar variation 2104392 (VCV002104392.4), dbSNP rs2507527751, ClinGen allele CA397062756.